The following is an entry in ClinVar:

ClinVar aggregate classification (germline): Benign/Likely benign. Review status: criteria provided, multiple submitters, no conflicts (2 of 4 stars). 8 submissions from 8 submitters: Benign (1); Likely benign (6). 1 of the submissions does not count toward it. Last evaluated 2026-01-17.

Conditions:
Hereditary cancer-predisposing syndrome. Also called: Tumor predisposition; Hereditary Cancer Syndrome; Hereditary neoplastic syndrome; Neoplastic Syndromes, Hereditary. Identifiers: Orphanet 140162, MedGen C0027672, MeSH D009386, MONDO:0015356.
Familial pancreatic carcinoma. Identifiers: Orphanet 1333, MedGen C2931038, MONDO:0015278, OMIM 260350.
Familial cancer of breast. Also called: BREAST CANCER, FAMILIAL; hereditary breast carcinoma; Hereditary breast cancer. Identifiers: Orphanet 227535, MedGen C0346153, MONDO:0016419, OMIM 114480. Disease mechanism: loss of function.

Submissions (8):

Labcorp Genetics (formerly Invitae), Labcorp
Classification: Likely benign for Familial cancer of breast. Last evaluated: 2026-01-17. Review status: criteria provided, single submitter. Criteria: Invitae Variant Classification Sherloc (09022015). Collection method: clinical testing. Allele origin: germline.

ARUP Laboratories, Molecular Genetics and Genomics, ARUP Laboratories
Classification: Likely benign. Last evaluated: 2025-07-18. Review status: criteria provided, single submitter. Criteria: ARUP Molecular Germline Variant Investigation Process 2024. Collection method: clinical testing. Allele origin: germline.

Department of Pathology and Laboratory Medicine, Sinai Health System
Classification: Likely benign for Familial pancreatic carcinoma. Last evaluated: 2025-01-06. Review status: criteria provided, single submitter. Criteria: ACMG Guidelines, 2015. Collection method: clinical testing. Allele origin: germline. Affected: yes.

Myriad Genetics, Inc.
Classification: Benign for Familial cancer of breast. Last evaluated: 2023-03-30. Review status: criteria provided, single submitter. Criteria: Myriad Autosomal Dominant, Autosomal Recessive and X-Linked Classification Criteria (2023). Collection method: clinical testing. Allele origin: unknown.
Comment: This variant is considered benign. This variant is intronic and is not expected to impact mRNA splicing. This variant is strongly associated with less severe personal and family histories of cancer, typical for individuals without pathogenic variants in this gene [PMID: 25085752].

Blueprint Genetics
Classification: Likely benign. Last evaluated: 2022-07-17. Review status: criteria provided, single submitter. Criteria: ACMG Guidelines, 2015. Collection method: clinical testing. Allele origin: germline.

GeneDx
Classification: Likely benign. Last evaluated: 2017-10-04. Review status: criteria provided, single submitter. Criteria: GeneDx Variant Classification (06012015). Collection method: clinical testing. Allele origin: germline. Affected: yes.
Comment: This variant is considered likely benign or benign based on one or more of the following criteria: it is a conservative change, it occurs at a poorly conserved position in the protein, it is predicted to be benign by multiple in silico algorithms, and/or has population frequency not consistent with disease.

Color Diagnostics, LLC DBA Color Health
Classification: Likely benign for Hereditary cancer-predisposing syndrome. Last evaluated: 2016-01-06. Review status: criteria provided, single submitter. Criteria: ACMG Guidelines, 2015. Collection method: clinical testing. Allele origin: germline.

Counsyl
Classification: Likely benign for Familial cancer of breast. Last evaluated: 2017-09-19. Review status: no assertion criteria provided. Collection method: clinical testing. Allele origin: unknown. Not counted in ClinVar's aggregate classification.

Literature cited by the submitters: PubMed 25085752 (cited by Myriad Genetics, Inc.).

NM_024675.4(PALB2):c.2749-16_2749-14del

Gene: PALB2 (partner and localizer of BRCA2; minus strand). Cytogenetic location: 16p12.2.
Variant type: Microsatellite.
Coding change: c.2749-16_2749-14del on transcript NM_024675.4 (MANE Select); 16 bases into the intron before coding-DNA position 2749 through 14 bases into the intron before coding-DNA position 2749, 3 bases deleted (GCT; older notation c.2749-16_2749-14delGCT).
Molecular consequence: intron variant.
Genome position (GRCh38, 1-based): chr16:23,624,108-23,624,110, AGC deleted on the plus strand (GCT on the coding strand, the reverse complement: PALB2 is on the minus strand); deleting any 3 consecutive bases within chr16:23,624,108-23,624,113 gives the same sequence; the c. name uses the placement nearest the transcript's 3' end. VCF-style (leftmost placement, unchanged base first): chr16-23624107-AAGC-A. GRCh37 (hg19) VCF-style: chr16-23635428-AAGC-A.
Other names: c.2749-16_2749-14delGCT (NM_024675.3).
Identifiers: ClinVar variation 421092 (VCV000421092.16), dbSNP rs765742648, ClinGen allele CA7963491.